The following is an entry in ClinVar:

ClinVar aggregate classification (germline): Uncertain significance. Review status: criteria provided, multiple submitters, no conflicts (2 of 4 stars). 2 submissions from 2 submitters: Uncertain significance (2). Last evaluated 2025-04-30.

Conditions:
Primary ciliary dyskinesia. Also called: Ciliary dyskinesia. Identifiers: Orphanet 244, MedGen C0008780, MONDO:0016575, HP:0012265.

gnomAD v4.1: 19 of 1,613,522 alleles (0.0012%); highest among the groups gnomAD compares: East Asian, 0.011%; no homozygotes.

Submissions (2):

Ambry Genetics
Classification: Uncertain significance for Primary ciliary dyskinesia. Last evaluated: 2025-04-30. Review status: criteria provided, single submitter. Criteria: Ambry Variant Classification Scheme 2023. Collection method: clinical testing. Allele origin: germline.

GeneDx
Classification: Uncertain significance. Last evaluated: 2024-12-06. Review status: criteria provided, single submitter. Criteria: GeneDx Variant Classification Process June 2021. Collection method: clinical testing. Allele origin: germline. Affected: yes.
Comment: In silico analysis supports that this missense variant has a deleterious effect on protein structure/function; Has not been previously published as pathogenic or benign to our knowledge

NM_018076.5(ODAD2):c.2522G>A (p.Arg841His)

Gene: ODAD2 (outer dynein arm docking complex subunit 2; minus strand). Cytogenetic location: 10p12.1.
Variant type: single nucleotide variant.
Coding change: c.2522G>A on transcript NM_018076.5 (MANE Select); coding-DNA position 2522, G replaced by A.
Protein change: p.Arg841His; replaces arginine 841 with histidine.
Molecular consequence: missense variant.
Genome position (GRCh38, 1-based): chr10:27,907,751, C>T on the plus strand (G>A on the coding strand, the complement: ODAD2 is on the minus strand). VCF-style: chr10-27907751-C-T. GRCh37 (hg19) VCF-style: chr10-28196680-C-T.
Other names: c.2522G>A, p.Arg841His (NM_001290020.2); c.1097G>A, p.Arg366His (NM_001290021.2); c.1598G>A, p.Arg533His (NM_001312689.2); c.2522G>A (NM_018076.2); short protein forms R366H, R533H, R841H.
Identifiers: ClinVar variation 3901309 (VCV003901309.2).